The following is an entry in ClinVar:

NM_000179.3(MSH6):c.858G>C (p.Glu286Asp)

Gene: MSH6 (mutS homolog 6; plus strand). Cytogenetic location: 2p16.3.
Variant type: single nucleotide variant.
Coding change: c.858G>C on transcript NM_000179.3 (MANE Select); coding-DNA position 858, G replaced by C.
Protein change: p.Glu286Asp; replaces glutamic acid 286 with aspartic acid.
Molecular consequence: missense variant. On other transcripts: 5 prime UTR variant (9), non-coding transcript variant (4), intron variant (1).
Genome position (GRCh38, 1-based): chr2:47,798,841, G>C. VCF-style: chr2-47798841-G-C. GRCh37 (hg19) VCF-style: chr2-48025980-G-C.
Other names: c.858G>C, p.Glu286Asp (NM_001406796.1, NM_001406798.1, NM_001406800.1 and 4 more transcripts); c.561G>C, p.Glu187Asp (NM_001406797.1, NM_001406801.1, NM_001406805.1 and 10 more transcripts); c.333G>C, p.Glu111Asp (NM_001406799.1, NM_001406806.1, NM_001406807.1); c.954G>C, p.Glu318Asp (NM_001406802.1, NM_001406795.1); c.780G>C, p.Glu260Asp (NM_001406804.1); c.-49G>C (NM_001406811.1, NM_001406812.1, NM_001406814.1 and 6 more transcripts); c.864G>C, p.Glu288Asp (NM_001406813.1); c.690G>C, p.Glu230Asp (NM_001406826.1); and 2 more; short protein forms E111D, E230D, E156D, E260D, E288D, E318D, E187D, E286D.
Identifiers: ClinVar variation 3730069 (VCV003730069.3).
Genomic context (GRCh38, chr2:47,798,841, plus strand): 5'-GCCAGACACTAAGGAGGAAGGAAGCAGTGATGAAATAAGCAGTGGAGTGGGGGATAGTGA[G>C]AGTGAAGGCCTGAACAGCCCTGTCAAAGTTGCTCGAAAGCGGAAGAGAATGGTGACTGGA-3'
Protein context (NP_000170.1, residues 276-296): DEISSGVGDS[Glu286Asp]SEGLNSPVKV

ClinVar aggregate classification (germline): Conflicting classifications of pathogenicity. Review status: criteria provided, conflicting classifications (1 of 4 stars). 2 submissions from 2 submitters: Uncertain significance (1); Likely benign (1). Last evaluated 2026-07-02.

Conditions:
Hereditary cancer-predisposing syndrome. Also called: Tumor predisposition; Hereditary neoplastic syndrome; Hereditary Cancer Syndrome; Neoplastic Syndromes, Hereditary. Identifiers: Orphanet 140162, MedGen C0027672, MeSH D009386, MONDO:0015356.
Hereditary nonpolyposis colorectal neoplasms. Identifiers: MedGen C0009405, MeSH D003123.

Submissions (2):

Ambry Genetics
Classification: Likely benign for Hereditary cancer-predisposing syndrome. Last evaluated: 2026-07-02. Review status: criteria provided, single submitter. Criteria: Ambry Variant Classification Scheme 2023. Collection method: clinical testing. Allele origin: germline.

Labcorp Genetics (formerly Invitae), Labcorp
Classification: Uncertain significance for Hereditary nonpolyposis colorectal neoplasms. Last evaluated: 2024-08-19. Review status: criteria provided, single submitter. Criteria: Invitae Variant Classification Sherloc (09022015). Collection method: clinical testing. Allele origin: germline.
Comment: This sequence change replaces glutamic acid, which is acidic and polar, with aspartic acid, which is acidic and polar, at codon 286 of the MSH6 protein (p.Glu286Asp). This variant is not present in population databases (gnomAD no frequency). This variant has not been reported in the literature in individuals affected with MSH6-related conditions. Invitae Evidence Modeling of protein sequence and biophysical properties (such as structural, functional, and spatial information, amino acid conservation, physicochemical variation, residue mobility, and thermodynamic stability) indicates that this missense variant is not expected to disrupt MSH6 protein function with a negative predictive value of 95%. In summary, the available evidence is currently insufficient to determine the role of this variant in disease. Therefore, it has been classified as a Variant of Uncertain Significance.